The following is an entry in ClinVar:

ClinVar aggregate classification (germline): Uncertain significance (1 of 4 stars; one submission).

Conditions:
Oligodontia-cancer predisposition syndrome. Also called: TOOTH AGENESIS-COLORECTAL CANCER SYNDROME. Identifiers: Orphanet 300576, MedGen C1837750, MONDO:0012075, OMIM 608615. Disease mechanism: loss of function.

Submission:

Labcorp Genetics (formerly Invitae), Labcorp
Classification: Uncertain significance for Oligodontia-cancer predisposition syndrome. Last evaluated: 2021-04-16. Review status: criteria provided, single submitter. Criteria: Invitae Variant Classification Sherloc (09022015). Collection method: clinical testing. Allele origin: germline.
Comment: In summary, the available evidence is currently insufficient to determine the role of this variant in disease. Therefore, it has been classified as a Variant of Uncertain Significance. Algorithms developed to predict the effect of sequence changes on RNA splicing suggest that this variant may create or strengthen a splice site, but this prediction has not been confirmed by published transcriptional studies. This variant has not been reported in the literature in individuals with AXIN2-related conditions. This variant is not present in population databases (ExAC no frequency). This sequence change falls in intron 8 of the AXIN2 gene. It does not directly change the encoded amino acid sequence of the AXIN2 protein.

NM_004655.4(AXIN2):c.2142-20C>A

Gene: AXIN2 (axin 2; minus strand). Cytogenetic location: 17q24.1.
Variant type: single nucleotide variant.
Coding change: c.2142-20C>A on transcript NM_004655.4 (MANE Select); 20 bases into the intron before coding-DNA position 2142, C replaced by A.
Molecular consequence: intron variant.
Genome position (GRCh38, 1-based): chr17:65,535,741, G>T on the plus strand (C>A on the coding strand, the complement: AXIN2 is on the minus strand). VCF-style: chr17-65535741-G-T. GRCh37 (hg19) VCF-style: chr17-63531859-G-T.
Other names: c.1947-20C>A (NM_001363813.1).
Identifiers: ClinVar variation 1360638 (VCV001360638.8), dbSNP rs764171738, ClinGen allele CA626908252.
Genomic context (GRCh38, chr17:65,535,741, plus strand): 5'-CCGAATGATTCCTGTCCCTCTGCTGACTGGCCACACAGCACCTGAGGACACAGCCAGGGC[G>T]AGGGATTTAGAGGTACACTGTTGTCCCCAGAGCAATTGAAAAGCAGACAGAAAATTACTA-3'